The following is an entry in ClinVar:

ClinVar aggregate classification (germline): Conflicting classifications of pathogenicity. Review status: criteria provided, conflicting classifications (1 of 4 stars). 4 submissions from 4 submitters: Uncertain significance (3); Likely benign (1). Last evaluated 2025-12-17.

Conditions:
Familial thoracic aortic aneurysm and aortic dissection (TAAD). Also called: Thoracic aortic aneurysms and dissections. Identifiers: Orphanet 91387, MedGen C4707243, MONDO:0019625.
Shprintzen-Goldberg syndrome (SGS). Also called: SHPRINTZEN-GOLDBERG CRANIOSYNOSTOSIS SYNDROME; CRANIOSYNOSTOSIS WITH ARACHNODACTYLY AND ABDOMINAL HERNIAS; Marfanoid disorder with craniosynostosis type 1; Marfanoid craniosynostosis syndrome; Shprintzen-Goldberg marfanoid syndrome. Identifiers: Orphanet 2462, MedGen C1321551, MONDO:0008426, OMIM 182212.

Allele frequency attached by ClinVar (database versions not stated): gnomAD exomes below 0.00001 and 0.00002; ExAC 0.00001; gnomAD 0.00002; TOPMed 0.00002.
gnomAD v4.1: 36 of 1,612,130 alleles (0.0022%); highest among the groups gnomAD compares: Non-Finnish European, 0.003%; no homozygotes.

Submissions (4):

GeneDx
Classification: Uncertain significance. Last evaluated: 2025-12-17. Review status: criteria provided, single submitter. Criteria: GeneDx Variant Classification Process June 2021. Collection method: clinical testing. Allele origin: germline. Affected: yes.
Comment: In silico analysis suggests that this missense variant does not alter protein structure/function; Has not been previously published as pathogenic or benign to our knowledge

Labcorp Genetics (formerly Invitae), Labcorp
Classification: Uncertain significance for Shprintzen-Goldberg syndrome. Last evaluated: 2025-08-31. Review status: criteria provided, single submitter. Criteria: Invitae Variant Classification Sherloc (09022015). Collection method: clinical testing. Allele origin: germline.
Comment: This sequence change replaces alanine, which is neutral and non-polar, with threonine, which is neutral and polar, at codon 422 of the SKI protein (p.Ala422Thr). The frequency data for this variant in the population databases is considered unreliable, as metrics indicate poor data quality at this position in the gnomAD database. This variant has not been reported in the literature in individuals affected with SKI-related conditions. ClinVar contains an entry for this variant (Variation ID: 213707). Invitae Evidence Modeling of protein sequence and biophysical properties (such as structural, functional, and spatial information, amino acid conservation, physicochemical variation, residue mobility, and thermodynamic stability) indicates that this missense variant is not expected to disrupt SKI protein function with a negative predictive value of 95%. In summary, the available evidence is currently insufficient to determine the role of this variant in disease. Therefore, it has been classified as a Variant of Uncertain Significance.

Ambry Genetics
Classification: Uncertain significance for Familial thoracic aortic aneurysm and aortic dissection. Last evaluated: 2024-07-31. Review status: criteria provided, single submitter. Criteria: Ambry Variant Classification Scheme 2023. Collection method: clinical testing. Allele origin: germline.
Comment: The p.A422T variant (also known as c.1264G>A), located in coding exon 4 of the SKI gene, results from a G to A substitution at nucleotide position 1264. The alanine at codon 422 is replaced by threonine, an amino acid with similar properties. This amino acid position is not well conserved in available vertebrate species, and threonine is the reference amino acid in other vertebrate species. In addition, this alteration is predicted to be tolerated by in silico analysis. Since supporting evidence is limited at this time, the clinical significance of this alteration remains unclear.

Blueprint Genetics
Classification: Likely benign. Last evaluated: 2023-10-23. Review status: criteria provided, single submitter. Criteria: ACMG Guidelines, 2015. Collection method: clinical testing. Allele origin: germline.

NM_003036.4(SKI):c.1264G>A (p.Ala422Thr)

Gene: SKI (SKI proto-oncogene; plus strand). Cytogenetic location: 1p36.32.
Variant type: single nucleotide variant.
Coding change: c.1264G>A on transcript NM_003036.4 (MANE Select); coding-DNA position 1264, G replaced by A.
Protein change: p.Ala422Thr; replaces alanine 422 with threonine.
Molecular consequence: missense variant.
Genome position (GRCh38, 1-based): chr1:2,303,892, G>A. VCF-style: chr1-2303892-G-A. GRCh37 (hg19) VCF-style: chr1-2235331-G-A.
Other names: p.A422T:GCA>ACA; short protein forms A422T.
Identifiers: ClinVar variation 213707 (VCV000213707.20), dbSNP rs760579911, ClinGen allele CA321395.